The following is an entry in ClinVar:

NM_002519.3(NPAT):c.2905C>A (p.Leu969Ile)

Gene: NPAT (nuclear protein, coactivator of histone transcription; minus strand). Cytogenetic location: 11q22.3.
Variant type: single nucleotide variant.
Coding change: c.2905C>A on transcript NM_002519.3 (MANE Select); coding-DNA position 2905, C replaced by A.
Protein change: p.Leu969Ile; replaces leucine 969 with isoleucine.
Molecular consequence: missense variant.
Genome position (GRCh38, 1-based): chr11:108,169,849, G>T on the plus strand (C>A on the coding strand, the complement: NPAT is on the minus strand). VCF-style: chr11-108169849-G-T. GRCh37 (hg19) VCF-style: chr11-108040576-G-T.
Other names: c.2905C>A, p.Leu969Ile (NM_001321307.1); short protein forms L969I.
Identifiers: ClinVar variation 1797496 (VCV001797496.2), dbSNP rs1345217132, ClinGen allele CA382511978.

ClinVar aggregate classification (germline): Uncertain significance (1 of 4 stars; one submission).

Submission:

Ambry Genetics
Classification: Uncertain significance. Last evaluated: 2022-10-15. Review status: criteria provided, single submitter. Criteria: Ambry Variant Classification Scheme 2023. Collection method: clinical testing. Allele origin: germline.
Comment: The p.L969I variant (also known as c.2905C>A), located in coding exon 15 of the NPAT gene, results from a C to A substitution at nucleotide position 2905. The leucine at codon 969 is replaced by isoleucine, an amino acid with highly similar properties. This amino acid position is conserved. In addition, this alteration is predicted to be tolerated by in silico analysis. Since supporting evidence is limited at this time, the clinical significance of this alteration remains unclear.